The following is an entry in ClinVar:

ClinVar aggregate classification (germline): Uncertain significance. Review status: criteria provided, multiple submitters, no conflicts (2 of 4 stars). 4 submissions from 4 submitters: Uncertain significance (4). Last evaluated 2025-05-09.

Conditions:
Pfeiffer syndrome (ACS5). Also called: ACS V. Identifiers: Orphanet 710, MedGen C0220658, MONDO:0007043, OMIM 101600.
Hartsfield-Bixler-Demyer syndrome (HRTFDS). Also called: Holoprosencephaly, ectrodactyly, and bilateral cleft lip/palate; FGFR1-Related Hartsfield Syndrome; Hartsfield syndrome. Identifiers: Orphanet 2117, MedGen C1845146, MONDO:0014196, OMIM 615465. Disease mechanism: loss of function.
Hypogonadotropic hypogonadism 2 with or without anosmia (HH2). Also called: HYPOGONADOTROPIC HYPOGONADISM 2 WITHOUT ANOSMIA; FGFR1-Related GnRH Deficiency (Kallmann Syndrome 2); HYPOGONADOTROPIC HYPOGONADISM 2 WITH OR WITHOUT ANOSMIA, SUSCEPTIBILITY TO; HYPOGONADOTROPIC HYPOGONADISM 2 WITHOUT ANOSMIA, SUSCEPTIBILITY TO. Identifiers: Orphanet 478, MedGen C1563720, MONDO:0007844, OMIM 147950. Disease mechanism: loss of function.
Jackson-Weiss syndrome (JWS). Also called: CRANIOSYNOSTOSIS, MIDFACIAL HYPOPLASIA, AND FOOT ABNORMALITIES. Identifiers: Orphanet 1540, MedGen C0795998, MONDO:0007400, OMIM 123150. Disease mechanism: loss of function.
Encephalocraniocutaneous lipomatosis (ECCL). Identifiers: Orphanet 2396, MedGen C0406612, MONDO:0013074, OMIM 613001.
Trigonocephaly 1 (TRIGNO1). Identifiers: Orphanet 3366, MedGen C0432122, MONDO:0008603, OMIM 190440.
Osteoglophonic dysplasia (OGD). Also called: Osteoglophonic dwarfism. Identifiers: Orphanet 2645, MedGen C0432283, MONDO:0008150, OMIM 166250.

Allele frequency attached by ClinVar (database versions not stated): gnomAD 0.00001 and 0.00003; TOPMed 0.00002; ExAC 0.00003; gnomAD exomes 0.00003; 1000 Genomes Project 30x 0.00016; 1000 Genomes Project 0.00020.
gnomAD v4.1: 26 of 1,613,966 alleles (0.0016%); highest among the groups gnomAD compares: East Asian, 0.056%; no homozygotes.

Submissions (4):

Labcorp Genetics (formerly Invitae), Labcorp
Classification: Uncertain significance for Pfeiffer syndrome; Hypogonadotropic hypogonadism 2 with or without anosmia. Last evaluated: 2025-05-09. Review status: criteria provided, single submitter. Criteria: Invitae Variant Classification Sherloc (09022015). Collection method: clinical testing. Allele origin: germline.
Comment: This sequence change replaces leucine, which is neutral and non-polar, with arginine, which is basic and polar, at codon 7 of the FGFR1 protein (p.Leu7Arg). This variant is present in population databases (rs532741632, gnomAD 0.04%). This missense change has been observed in individual(s) with increased nuchal translucency with or without structural malformations (PMID: 31475041). ClinVar contains an entry for this variant (Variation ID: 1405341). Invitae Evidence Modeling of protein sequence and biophysical properties (such as structural, functional, and spatial information, amino acid conservation, physicochemical variation, residue mobility, and thermodynamic stability) has been performed for this missense variant. However, the output from this modeling did not meet the statistical confidence thresholds required to predict the impact of this variant on FGFR1 protein function. In summary, the available evidence is currently insufficient to determine the role of this variant in disease. Therefore, it has been classified as a Variant of Uncertain Significance.

GeneDx
Classification: Uncertain significance. Last evaluated: 2024-09-11. Review status: criteria provided, single submitter. Criteria: GeneDx Variant Classification Process June 2021. Collection method: clinical testing. Allele origin: germline. Affected: yes.
Comment: Reported in a fetus with structural malformations in published literature; the variant is noted to be maternally inherited and clinical information on the fetus and mother is not available (PMID: 31475041); In silico analysis supports that this missense variant has a deleterious effect on protein structure/function; This variant is associated with the following publications: (PMID: 31475041)

Fulgent Genetics
Classification: Uncertain significance for Pfeiffer syndrome; Jackson-Weiss syndrome; Hypogonadotropic hypogonadism 2 with or without anosmia; Osteoglophonic dysplasia; Trigonocephaly 1; Encephalocraniocutaneous lipomatosis; Hartsfield-Bixler-Demyer syndrome. Last evaluated: 2021-11-03. Review status: criteria provided, single submitter. Criteria: ACMG Guidelines, 2015. Collection method: clinical testing. Allele origin: unknown.

Juno Genomics, Hangzhou Juno Genomics, Inc
Classification: Uncertain significance for Trigonocephaly 1; Pfeiffer syndrome; Encephalocraniocutaneous lipomatosis; Hartsfield-Bixler-Demyer syndrome; Hypogonadotropic hypogonadism 2 with or without anosmia; Jackson-Weiss syndrome; Osteoglophonic dysplasia. Review status: criteria provided, single submitter. Criteria: ACMG Guidelines, 2015. Collection method: clinical testing. Allele origin: germline.
Comment: Absent from controls (or at extremely low frequency if recessive) in Genome Aggregation Database.;Missense variant in a gene that has a low rate of benign missense variation.

Literature cited by the submitters: PubMed 31475041 (cited by Labcorp Genetics (formerly Invitae), Labcorp).

NM_023110.3(FGFR1):c.20T>G (p.Leu7Arg)

Gene: FGFR1 (fibroblast growth factor receptor 1; minus strand). Cytogenetic location: 8p11.23.
Variant type: single nucleotide variant.
Coding change: c.20T>G on transcript NM_023110.3 (MANE Select); coding-DNA position 20, T replaced by G.
Protein change: p.Leu7Arg; replaces leucine 7 with arginine.
Molecular consequence: missense variant. On other transcripts: 5 prime UTR variant (1).
Genome position (GRCh38, 1-based): chr8:38,457,427, A>C on the plus strand (T>G on the coding strand, the complement: FGFR1 is on the minus strand). VCF-style: chr8-38457427-A-C. GRCh37 (hg19) VCF-style: chr8-38314945-A-C.
Other names: c.20T>G (NM_023110.2); c.20T>G, p.Leu7Arg (NM_001174063.2, NM_001174065.2, NM_001174066.2 and 7 more transcripts); c.-73T>G (NM_001174064.2); c.119T>G, p.Leu40Arg (NM_001174067.2); short protein forms L7R, L40R.
Identifiers: ClinVar variation 1405341 (VCV001405341.12), dbSNP rs532741632, ClinGen allele CA4718957.